The following is an entry in ClinVar:

NM_147127.5(EVC2):c.866dup (p.Thr290fs)

Gene: EVC2 (EvC ciliary complex subunit 2; minus strand). Cytogenetic location: 4p16.2.
Variant type: Duplication.
Coding change: c.866dup on transcript NM_147127.5 (MANE Select); coding-DNA position 866, one base duplicated (T; older notation c.866dupT).
Protein change: p.Thr290fs; shifts the reading frame from threonine 290.
Molecular consequence: frameshift variant.
Genome position (GRCh38, 1-based): chr4:5,681,264, A duplicated on the plus strand (T on the coding strand, the reverse complement: EVC2 is on the minus strand). VCF-style (leftmost placement, unchanged base first): chr4-5681263-T-TA. GRCh37 (hg19) VCF-style: chr4-5682990-T-TA.
Other names: c.626dup, p.Thr210fs (NM_001166136.2); short protein forms T210fs, T290fs.
Identifiers: ClinVar variation 5014001 (VCV005014001.1).
Genomic context (GRCh38, chr4:5,681,263, plus strand): 5'-GGACCCACACAGCACAGGTGTGTCCTGAGGGTGCTCAGGGCATGTCATGTCTCTTACCGT[T>TA]ACGTTTTCTTCTGCTGTTATGGAAAAAAGCACTTTCAGCTGTGTTCTGTTCTAGAAAAGG-3'

ClinVar aggregate classification (germline): Pathogenic (1 of 4 stars; one submission).

Conditions:
Ellis-van Creveld syndrome (EVC). Also called: MESOECTODERMAL DYSPLASIA; Chondroectodermal dysplasia. Identifiers: Orphanet 289, MedGen C0013903, MONDO:0009162, OMIM 225500.

Submission:

Myriad Genetics, Inc.
Classification: Pathogenic for Ellis-van Creveld syndrome. Last evaluated: 2025-01-22. Review status: criteria provided, single submitter. Criteria: Myriad Autosomal Dominant, Autosomal Recessive and X-Linked Classification Criteria (2023). Collection method: clinical testing. Allele origin: unknown.
Comment: NM_147127.4(EVC2):c.866dupT(T290Nfs*51) is expected to be pathogenic in the context of EVC2-related Ellis-van Creveld syndrome. This variant is predicted to lead to an abnormal or absent protein product due to the creation of a premature termination codon in EVC2, a gene where loss-of-function variants are known to be pathogenic. Please note: this variant was assessed in the context of healthy population screening.